The following is an entry in ClinVar:

ClinVar aggregate classification (germline): Uncertain significance. Review status: criteria provided, multiple submitters, no conflicts (2 of 4 stars). 3 submissions from 3 submitters: Uncertain significance (3). Last evaluated 2024-02-09.

Conditions:
Neuropathy, hereditary sensory and autonomic, type 2A (HSAN2A). Also called: WNK1-Related HSAN2 (HSAN2A); HSAN IIA; MORVAN DISEASE; NEUROPATHY, CONGENITAL SENSORY; NEUROPATHY, HEREDITARY SENSORY RADICULAR, AUTOSOMAL RECESSIVE; NEUROPATHY, HEREDITARY SENSORY, TYPE IIA. Identifiers: Orphanet 970, MedGen C2752089, MONDO:0024309, OMIM 201300.
Generalized epilepsy with febrile seizures plus, type 7 (GEFSP7). Also called: GEFS+, TYPE 7. Identifiers: Orphanet 36387, MedGen C2751778, MONDO:0013470, OMIM 613863.

Allele frequency attached by ClinVar (database versions not stated): gnomAD exomes 0.00002; ExAC 0.00007.
gnomAD v4.1: 44 of 1,583,742 alleles (0.0028%); highest among the groups gnomAD compares: Non-Finnish European, 0.0038%; no homozygotes.

Submissions (3):

Women's Health and Genetics/Laboratory Corporation of America, LabCorp
Classification: Uncertain significance. Last evaluated: 2024-02-09. Review status: criteria provided, single submitter. Criteria: LabCorp Variant Classification Summary - May 2015. Collection method: clinical testing. Allele origin: germline.
Comment: Variant summary: SCN9A c.413C>T (p.Thr138Ile) results in a non-conservative amino acid change located in the first ion transport domain (IPR005821) of the encoded protein sequence. Three of five in-silico tools predict a damaging effect of the variant on protein function. The variant allele was found at a frequency of 3.1e-05 (i.e. in 44 carriers) in 1425786 control chromosomes (gnomAD v4). This frequency is not higher than estimated maximum expected for a pathogenic variant in SCN9A causing Channelopathy-Associated Congenital Insensitivity To Pain, Autosomal Recessive (3.1e-05 vs 0.0011), allowing no conclusion about variant significance. On the other hand, the occurrence in several carriers suggests that this variant is likely not associated with a high penetrance, severe, early disease phenotype in heterozygous state. To our knowledge, no occurrence of c.413C>T in individuals affected with Channelopathy-Associated Congenital Insensitivity To Pain, Autosomal Recessive and no experimental evidence demonstrating its impact on protein function have been reported. ClinVar contains an entry for this variant (Variation ID: 1026542). Based on the evidence outlined above, the variant was classified as uncertain significance.

Labcorp Genetics (formerly Invitae), Labcorp
Classification: Uncertain significance for Neuropathy, hereditary sensory and autonomic, type 2A; Generalized epilepsy with febrile seizures plus, type 7. Last evaluated: 2022-02-04. Review status: criteria provided, single submitter. Criteria: Invitae Variant Classification Sherloc (09022015). Collection method: clinical testing. Allele origin: germline.
Comment: This variant has not been reported in the literature in individuals affected with SCN9A-related conditions. This sequence change replaces threonine, which is neutral and polar, with isoleucine, which is neutral and non-polar, at codon 138 of the SCN9A protein (p.Thr138Ile). The frequency data for this variant in the population databases is considered unreliable, as metrics indicate poor data quality at this position in the gnomAD database. ClinVar contains an entry for this variant (Variation ID: 1026542). Algorithms developed to predict the effect of missense changes on protein structure and function (SIFT, PolyPhen-2, Align-GVGD) all suggest that this variant is likely to be tolerated. In summary, the available evidence is currently insufficient to determine the role of this variant in disease. Therefore, it has been classified as a Variant of Uncertain Significance.

Blueprint Genetics
Classification: Uncertain significance. Last evaluated: 2020-08-11. Review status: criteria provided, single submitter. Criteria: ACMG Guidelines, 2015. Collection method: clinical testing. Allele origin: germline.

NM_001365536.1(SCN9A):c.413C>T (p.Thr138Ile)

Gene: SCN9A (sodium voltage-gated channel alpha subunit 9; minus strand). Cytogenetic location: 2q24.3.
Variant type: single nucleotide variant.
Coding change: c.413C>T on transcript NM_001365536.1 (MANE Select); coding-DNA position 413, C replaced by T.
Protein change: p.Thr138Ile; replaces threonine 138 with isoleucine.
Molecular consequence: missense variant.
Genome position (GRCh38, 1-based): chr2:166,306,564, G>A on the plus strand (C>T on the coding strand, the complement: SCN9A is on the minus strand). VCF-style: chr2-166306564-G-A. GRCh37 (hg19) VCF-style: chr2-167163074-G-A.
Other names: c.413C>T, p.Thr138Ile (NM_002977.4); short protein forms T138I.
Identifiers: ClinVar variation 1026542 (VCV001026542.12), dbSNP rs200408344, ClinGen allele CA1944796.